The following is an entry in ClinVar:

ClinVar aggregate classification (germline): Pathogenic (1 of 4 stars; one submission).

Submission:

Labcorp Genetics (formerly Invitae), Labcorp
Classification: Pathogenic. Last evaluated: 2023-04-07. Review status: criteria provided, single submitter. Criteria: Invitae Variant Classification Sherloc (09022015). Collection method: clinical testing. Allele origin: unknown.
Comment: For these reasons, this variant has been classified as Pathogenic. This variant has not been reported in the literature in individuals affected with TRPM6-related conditions. This variant is a gross deletion of the genomic region encompassing exon(s) 22-24 of the TRPM6 gene. This deletion is out-of-frame, and is expected to create a premature termination codon and result in an absent or disrupted protein product. Loss-of-function variants in TRPM6 are known to be pathogenic (PMID: 16107578).

Literature cited by the submitters: PubMed 16107578.

NC_000009.11:g.(?_77390779)_(77397789_?)del

Gene: TRPM6 (transient receptor potential cation channel subfamily M member 6; minus strand). Cytogenetic location: 9q21.13.
Variant type: Deletion.
Identifiers: ClinVar variation 3245356 (VCV003245356.1).